The following is an entry in ClinVar:

ClinVar aggregate classification (germline): Likely benign (0 of 4 stars; one submission).

Conditions:
CAPN12-related disorder. Also called: CAPN12-related condition.

gnomAD v4.1: 134 of 1,607,328 alleles (0.0083%); highest among the groups gnomAD compares: Middle Eastern, 0.066%; no homozygotes.

Submission:

PreventionGenetics, part of Exact Sciences
Classification: Likely benign for CAPN12-related condition. Last evaluated: 2019-03-07. Review status: no assertion criteria provided. Collection method: clinical testing. Allele origin: germline.
Comment: This variant is classified as likely benign based on ACMG/AMP sequence variant interpretation guidelines (Richards et al. 2015 PMID: 25741868, with internal and published modifications).

NM_144691.4(CAPN12):c.1776C>T (p.Ile592=)

Gene: CAPN12 (calpain 12; minus strand). Cytogenetic location: 19q13.2.
Variant type: single nucleotide variant.
Coding change: c.1776C>T on transcript NM_144691.4 (MANE Select); coding-DNA position 1776, C replaced by T.
Protein change: p.Ile592=; no amino-acid change (isoleucine 592 retained).
Molecular consequence: synonymous variant.
Genome position (GRCh38, 1-based): chr19:38,734,358, G>A on the plus strand (C>T on the coding strand, the complement: CAPN12 is on the minus strand). VCF-style: chr19-38734358-G-A. GRCh37 (hg19) VCF-style: chr19-39224998-G-A.
Identifiers: ClinVar variation 3047927 (VCV003047927.2), dbSNP rs778396415, ClinGen allele CA9418461.